The following is an entry in ClinVar:

NM_017617.5(NOTCH1):c.2887T>C (p.Cys963Arg)

Gene: NOTCH1 (notch receptor 1; minus strand). Cytogenetic location: 9q34.3.
Variant type: single nucleotide variant.
Coding change: c.2887T>C on transcript NM_017617.5 (MANE Select); coding-DNA position 2887, T replaced by C.
Protein change: p.Cys963Arg; replaces cysteine 963 with arginine.
Molecular consequence: missense variant.
Genome position (GRCh38, 1-based): chr9:136,509,815, A>G on the plus strand (T>C on the coding strand, the complement: NOTCH1 is on the minus strand). VCF-style: chr9-136509815-A-G. GRCh37 (hg19) VCF-style: chr9-139404267-A-G.
Other names: short protein forms C963R.
Identifiers: ClinVar variation 3226958 (VCV003226958.1), dbSNP rs768849474, ClinGen allele CA5341122.

ClinVar aggregate classification (germline): Uncertain significance (1 of 4 stars; one submission).

Conditions:
Familial thoracic aortic aneurysm and aortic dissection (TAAD). Also called: Thoracic aortic aneurysms and dissections. Identifiers: Orphanet 91387, MedGen C4707243, MONDO:0019625.

Allele frequency attached by ClinVar (database versions not stated): gnomAD exomes below 0.00001; ExAC 0.00001.
gnomAD v4.1: 1 of 1,613,178 alleles (0.000062%); highest among the groups gnomAD compares: South Asian, 0.0011%; no homozygotes.

Submission:

Ambry Genetics
Classification: Uncertain significance for Familial thoracic aortic aneurysm and aortic dissection. Last evaluated: 2024-02-01. Review status: criteria provided, single submitter. Criteria: Ambry Variant Classification Scheme 2023. Collection method: clinical testing. Allele origin: germline.
Comment: The p.C963R variant (also known as c.2887T>C), located in coding exon 18 of the NOTCH1 gene, results from a T to C substitution at nucleotide position 2887. The cysteine at codon 963 is replaced by arginine, an amino acid with highly dissimilar properties. This amino acid position is conserved. In addition, this alteration is predicted to be deleterious by in silico analysis. Based on the available evidence, the clinical significance of this alteration remains unclear.